The following is an entry in ClinVar:

ClinVar aggregate classification (germline): Uncertain significance (1 of 4 stars; one submission).

Conditions:
Fetal anomalies with a likely genetic cause.

Submission:

Genetics Laboratory, Great Ormond Street Hospital NHS Foundation Trust, North Thames Genomic Laboratory Hub
Classification: Uncertain significance for Fetal anomalies with a likely genetic cause. Last evaluated: 2026-03-03. Review status: criteria provided, single submitter. Criteria: ACGS Best Practice Guidelines for Variant Classification in Rare Disease 2024 v1.2. Collection method: clinical testing. Allele origin: germline. Affected: yes.
Comment: PVS1_very-strong

NM_001015880.2(PAPSS2):c.381+1_381+2insGAAAA

Gene: PAPSS2 (3'-phosphoadenosine 5'-phosphosulfate synthase 2; plus strand). Cytogenetic location: 10q23.31.
Variant type: Insertion.
Coding change: c.381+1_381+2insGAAAA on transcript NM_001015880.2 (MANE Select); the canonical splice donor site of the intron after coding-DNA position 381, GAAAA inserted.
Molecular consequence: splice donor variant.
Genome position: GRCh38 VCF-style: chr10-87713311-G-GGAAAA. GRCh37 (hg19) VCF-style: chr10-89473068-G-GGAAAA.
Other names: c.381+1_381+2insGAAAA (NM_004670.4).
Identifiers: ClinVar variation 4849525 (VCV004849525.1).